The following is an entry in ClinVar:

NC_000023.10:g.(?_8538520)_(8700077_?)dup

Gene: ANOS1 (anosmin 1; minus strand). Cytogenetic location: Xp22.31.
Variant type: Duplication.
Identifiers: ClinVar variation 3244172 (VCV003244172.1).

ClinVar aggregate classification (germline): Uncertain significance (1 of 4 stars; one submission).

Conditions:
Hypogonadotropic hypogonadism 1 with or without anosmia (HH1). Also called: Kallmann syndrome, type 1, X-linked; DYSPLASIA OLFACTOGENITALIS OF DE MORSIER; HYPOGONADOTROPIC HYPOGONADISM 1 WITH ANOSMIA; HYPOGONADOTROPIC HYPOGONADISM AND ANOSMIA; KAL1-Related GnRH Deficiency (Kallmann Syndrome 1; Kallmann Syndrome, X-Linked); Hypogonadotropic hypogonadism 1 with or without anosmia (Kallmann syndrome 1). Identifiers: Orphanet 478, MedGen C1563719, MONDO:0010635, OMIM 308700. Disease mechanism: loss of function.

Submission:

Labcorp Genetics (formerly Invitae), Labcorp
Classification: Uncertain significance for Hypogonadotropic hypogonadism 1 with or without anosmia. Last evaluated: 2023-05-30. Review status: criteria provided, single submitter. Criteria: Invitae Variant Classification Sherloc (09022015). Collection method: clinical testing. Allele origin: unknown.
Comment: In summary, the available evidence is currently insufficient to determine the role of this variant in disease. Therefore, it has been classified as a Variant of Uncertain Significance. This variant has not been reported in the literature in individuals affected with ANOS1-related conditions. This variant results in a copy number gain of the genomic region encompassing exon(s) 1-7 of the ANOS1 gene. This region includes the initiator codon of the gene. This copy number gain extends beyond the assayed region for this gene and therefore may encompass additional genes. As the precise location of this event is unknown, it may be in tandem or it may be located elsewhere in the genome.